The following is an entry in ClinVar:

NM_001080517.3(SETD5):c.567+988G>A

Gene: SETD5 (SET domain containing 5; plus strand). Cytogenetic location: 3p25.3.
Variant type: single nucleotide variant.
Coding change: c.567+988G>A on transcript NM_001080517.3 (MANE Select); 988 bases into the intron after coding-DNA position 567, G replaced by A.
Molecular consequence: intron variant.
Genome position (GRCh38, 1-based): chr3:9,436,894, G>A. VCF-style: chr3-9436894-G-A. GRCh37 (hg19) VCF-style: chr3-9478578-G-A.
Other names: c.273+6G>A (NM_001349451.2, NM_001292043.2).
Identifiers: ClinVar variation 2632227 (VCV002632227.2), dbSNP rs2472531452, ClinGen allele CA2695197726.

ClinVar aggregate classification (germline): Uncertain significance (0 of 4 stars; one submission).

Conditions:
SETD5-related disorder. Also called: SETD5-related disorders; SETD5-related condition.

Submission:

PreventionGenetics, part of Exact Sciences
Classification: Uncertain significance for SETD5-related condition. Last evaluated: 2024-08-01. Review status: no assertion criteria provided. Collection method: clinical testing. Allele origin: germline.
Comment: The SETD5 c.273+6G>A variant is predicted to interfere with splicing. This variant corresponds to a deep intronic position in the primary transcript (NM_001080517.2:c.567+988G>A). It is predicted to impact splicing based on available splicing prediction programs (SpliceAI, Jaganathan et al. 2019. PubMed ID: 30661751; Alamut Visual v1.6.1). To our knowledge, this variant has not been reported in the literature or in a large population database, indicating this variant is rare. Although we suspect that this variant may be pathogenic, at this time, the clinical significance of this variant is uncertain due to the absence of conclusive functional and genetic evidence.